The following is an entry in ClinVar:

ClinVar aggregate classification (germline): Uncertain significance. Review status: criteria provided, single submitter (1 of 4 stars). 2 submissions from 2 submitters: Uncertain significance (1). 1 of the submissions does not count toward it. Last evaluated 2022-09-23.

Conditions:
GYG2-related disorder. Also called: GYG2-related condition.

Allele frequency attached by ClinVar (database versions not stated): gnomAD exomes 0.00001; gnomAD 0.00003; ExAC 0.00005; TOPMed 0.00005.
gnomAD v4.1: 41 of 1,204,224 alleles (0.0034%); highest among the groups gnomAD compares: East Asian, 0.033%; no homozygotes.

Submissions (2):

Labcorp Genetics (formerly Invitae), Labcorp
Classification: Uncertain significance. Last evaluated: 2022-09-23. Review status: criteria provided, single submitter. Criteria: Invitae Variant Classification Sherloc (09022015). Collection method: clinical testing. Allele origin: germline.
Comment: In summary, the available evidence is currently insufficient to determine the role of this variant in disease. Therefore, it has been classified as a Variant of Uncertain Significance. This variant has not been reported in the literature in individuals affected with GYG2-related conditions. Algorithms developed to predict the effect of sequence changes on RNA splicing suggest that this variant may create or strengthen a splice site. This sequence change falls in intron 5 of the GYG2 gene. It does not directly change the encoded amino acid sequence of the GYG2 protein. This variant is present in population databases (rs769937678, gnomAD 0.04%).

PreventionGenetics, part of Exact Sciences
Classification: Likely benign for GYG2-related condition. Last evaluated: 2019-02-19. Review status: no assertion criteria provided. Collection method: clinical testing. Allele origin: germline. Not counted in ClinVar's aggregate classification.
Comment: This variant is classified as likely benign based on ACMG/AMP sequence variant interpretation guidelines (Richards et al. 2015 PMID: 25741868, with internal and published modifications).

NM_001079855.2(GYG2):c.325-7T>G

Gene: GYG2 (glycogenin 2; plus strand). Cytogenetic location: Xp22.33.
Variant type: single nucleotide variant.
Coding change: c.325-7T>G on transcript NM_001079855.2 (MANE Select); 7 bases into the intron before coding-DNA position 325, T replaced by G.
Molecular consequence: intron variant.
Genome position (GRCh38, 1-based): chrX:2,854,986, T>G. VCF-style: chrX-2854986-T-G. GRCh37 (hg19) VCF-style: chrX-2773027-T-G.
Other names: c.418-7T>G (NM_003918.2, NM_003918.3, NM_001184703.2); c.325-7T>G (NM_001184702.2); c.-141-7T>G (NM_001184704.2).
Identifiers: ClinVar variation 2141122 (VCV002141122.6), dbSNP rs769937678, ClinGen allele CA10337053.